The following is an entry in ClinVar:

NM_001754.5(RUNX1):c.1327A>G (p.Asn443Asp)

Gene: RUNX1 (RUNX family transcription factor 1; minus strand). Cytogenetic location: 21q22.12.
Variant type: single nucleotide variant.
Coding change: c.1327A>G on transcript NM_001754.5 (MANE Select); coding-DNA position 1327, A replaced by G.
Protein change: p.Asn443Asp; replaces asparagine 443 with aspartic acid.
Molecular consequence: missense variant.
Genome position (GRCh38, 1-based): chr21:34,792,251, T>C on the plus strand (A>G on the coding strand, the complement: RUNX1 is on the minus strand). VCF-style: chr21-34792251-T-C. GRCh37 (hg19) VCF-style: chr21-36164548-T-C.
Other names: c.1246A>G, p.Asn416Asp (NM_001001890.3); short protein forms N416D, N443D.
Identifiers: ClinVar variation 4537824 (VCV004537824.1).

ClinVar aggregate classification (germline): Uncertain significance (1 of 4 stars; one submission).

Submission:

GeneDx
Classification: Uncertain significance. Last evaluated: 2025-06-15. Review status: criteria provided, single submitter. Criteria: GeneDx Variant Classification Process June 2021. Collection method: clinical testing. Allele origin: germline. Affected: yes.
Comment: Not observed at significant frequency in large population cohorts (gnomAD); In silico analysis supports that this missense variant has a deleterious effect on protein structure/function; Has not been previously published as pathogenic or benign to our knowledge